The following is an entry in ClinVar:

NM_000088.4(COL1A1):c.2283C>T (p.Gly761=)

Gene: COL1A1 (collagen type I alpha 1 chain; minus strand). Cytogenetic location: 17q21.33.
Variant type: single nucleotide variant.
Coding change: c.2283C>T on transcript NM_000088.4 (MANE Select); coding-DNA position 2283, C replaced by T.
Protein change: p.Gly761=; no amino-acid change (glycine 761 retained).
Molecular consequence: synonymous variant.
Genome position (GRCh38, 1-based): chr17:50,190,877, G>A on the plus strand (C>T on the coding strand, the complement: COL1A1 is on the minus strand). VCF-style: chr17-50190877-G-A. GRCh37 (hg19) VCF-style: chr17-48268238-G-A.
Other names: p.Gly761=.
Identifiers: ClinVar variation 595543 (VCV000595543.25), dbSNP rs759665341, ClinGen allele CA8644879.

ClinVar aggregate classification (germline): Conflicting classifications of pathogenicity. Review status: criteria provided, conflicting classifications (1 of 4 stars). 8 submissions from 8 submitters: Uncertain significance (2); Likely benign (6). Last evaluated 2026-01-05.

Conditions:
Cardiovascular phenotype. Identifiers: MedGen CN230736.
Osteogenesis imperfecta type I (OI1). Also called: Lobstein's Disease; OI, TYPE I; OSTEOGENESIS IMPERFECTA TARDA; OSTEOGENESIS IMPERFECTA WITH BLUE SCLERAE; Osteogenesis imperfecta type 1; Classic Non-deforming Osteogenesis Imperfecta with Blue Sclerae. Identifiers: Orphanet 216796, Orphanet 666, MedGen C0023931, MONDO:0008146, OMIM 166200. Disease mechanism: loss of function.
Ehlers-Danlos syndrome (EDS). Identifiers: Orphanet 98249, MedGen C0013720, MONDO:0020066.

Allele frequency attached by ClinVar (database versions not stated): ExAC 0.00003; TOPMed 0.00006.
gnomAD v4.1: 72 of 1,613,816 alleles (0.0045%); highest among the groups gnomAD compares: Non-Finnish European, 0.0056%; no homozygotes.

Submissions (8):

Women's Health and Genetics/Laboratory Corporation of America, LabCorp
Classification: Likely benign. Last evaluated: 2026-01-05. Review status: criteria provided, single submitter. Criteria: LabCorp Variant Classification Summary - May 2015. Collection method: clinical testing. Allele origin: germline.

Labcorp Genetics (formerly Invitae), Labcorp
Classification: Likely benign for Osteogenesis imperfecta type I. Last evaluated: 2025-06-17. Review status: criteria provided, single submitter. Criteria: Invitae Variant Classification Sherloc (09022015). Collection method: clinical testing. Allele origin: germline.

Molecular Diagnostic Laboratory for Inherited Cardiovascular Disease, Montreal Heart Institute
Classification: Likely benign. Last evaluated: 2025-04-09. Review status: criteria provided, single submitter. Criteria: ACMG Guidelines, 2015. Collection method: clinical testing. Allele origin: germline. Affected: no.

Mayo Clinic Laboratories, Mayo Clinic
Classification: Likely benign. Last evaluated: 2025-02-03. Review status: criteria provided, single submitter. Criteria: ACMG Guidelines, 2015. Collection method: clinical testing. Allele origin: germline. Observed: 2 variant alleles.
Comment: BP4, BP7

Blueprint Genetics
Classification: Likely benign. Last evaluated: 2024-06-17. Review status: criteria provided, single submitter. Criteria: ACMG Guidelines, 2015. Collection method: clinical testing. Allele origin: germline.

Ambry Genetics
Classification: Likely benign for Cardiovascular phenotype. Last evaluated: 2021-01-20. Review status: criteria provided, single submitter. Criteria: Ambry Variant Classification Scheme 2023. Collection method: clinical testing. Allele origin: germline.

Genome Diagnostics Laboratory, The Hospital for Sick Children
Classification: Uncertain significance for Ehlers-Danlos syndrome. Last evaluated: 2019-10-01. Review status: criteria provided, single submitter. Criteria: ACMG Guidelines, 2015. Collection method: clinical testing. Allele origin: germline.

Eurofins Ntd Llc (ga)
Classification: Uncertain significance. Last evaluated: 2017-12-29. Review status: criteria provided, single submitter. Criteria: EGL Classification Definitions 2015. Collection method: clinical testing. Allele origin: germline. Observed: 1 variant allele, 1 heterozygote.